The following is an entry in ClinVar:

NM_016341.4(PLCE1):c.4917+64A>G

Genes: PLCE1 (phospholipase C epsilon 1; plus strand), PLCE1-AS1 (PLCE1 antisense RNA 1; minus strand). Cytogenetic location: 10q23.33.
Variant type: single nucleotide variant.
Coding change: c.4917+64A>G on transcript NM_016341.4 (MANE Select); 64 bases into the intron after coding-DNA position 4917, A replaced by G.
Molecular consequence: intron variant.
Genome position (GRCh38, 1-based): chr10:94,283,975, A>G. VCF-style: chr10-94283975-A-G. GRCh37 (hg19) VCF-style: chr10-96043732-A-G.
Other names: c.4869+64A>G (NM_001288989.2); c.3993+64A>G (NM_001165979.2).
Identifiers: ClinVar variation 1235235 (VCV001235235.6), dbSNP rs7084339, ClinGen allele CA13165158.
Genomic context (GRCh38, chr10:94,283,975, plus strand): 5'-GGTGAACGGTTTCTGTTAAATGACACTTTGACCATGTGGTACTCTTGTCAGTTTCAGATG[A>G]GATTCCACTTGCTCCCTGTCCCTCCCTTTCACCTTTCCCCTCACTTTCCCTTAGATACCT-3'

ClinVar aggregate classification (germline): Benign. Review status: criteria provided, multiple submitters, no conflicts (2 of 4 stars). 3 submissions from 3 submitters: Benign (3). Last evaluated 2024-07-15.

Allele frequency attached by ClinVar (database versions not stated): 1000 Genomes Project 0.31729; 1000 Genomes Project 30x 0.32121; gnomAD 0.33243 and 0.33678; TOPMed 0.33829.
gnomAD v4.1: 480,252 of 1,572,808 alleles (31%); highest among the groups gnomAD compares: Middle Eastern, 44%; 75,350 homozygotes.

Submissions (3):

Unidad de Genómica Garrahan, Hospital de Pediatría Garrahan
Classification: Benign. Last evaluated: 2024-07-15. Review status: criteria provided, single submitter. Criteria: ACMG Guidelines, 2015. Collection method: clinical testing. Allele origin: germline. Affected: no. Observed: 21 variant alleles.
Comment: This variant is classified as Benign based on local population frequency. This variant was detected in 23% of patients studied in a panel designed for Epileptic and Developmental Encephalopathy and Progressive Myoclonus Epilepsy. Number of patients: 21. Only high quality variants are reported.

GeneDx
Classification: Benign. Last evaluated: 2018-11-12. Review status: criteria provided, single submitter. Criteria: GeneDx Variant Classification Process June 2021. Collection method: clinical testing. Allele origin: germline. Affected: yes.

Breakthrough Genomics
Classification: Benign. Review status: criteria provided, single submitter. Criteria: ACMG Guidelines, 2015. Collection method: not provided. Allele origin: germline. Inheritance: Autosomal recessive inheritance. Affected: yes.